The following is an entry in ClinVar:

ClinVar aggregate classification (germline): Uncertain significance (1 of 4 stars; one submission).

Allele frequency attached by ClinVar (database versions not stated): gnomAD exomes below 0.00001; TOPMed below 0.00001; gnomAD 0.00001.
gnomAD v4.1: 4 of 1,611,756 alleles (0.00025%); highest among the groups gnomAD compares: Non-Finnish European, 0.00034%; no homozygotes.

Submission:

Ambry Genetics
Classification: Uncertain significance. Last evaluated: 2023-07-10. Review status: criteria provided, single submitter. Criteria: Ambry Variant Classification Scheme 2023. Collection method: clinical testing. Allele origin: germline.
Comment: The p.F720S variant (also known as c.2159T>C), located in coding exon 14 of the POLQ gene, results from a T to C substitution at nucleotide position 2159. The phenylalanine at codon 720 is replaced by serine, an amino acid with highly dissimilar properties. This amino acid position is conserved. In addition, the in silico prediction for this alteration is inconclusive. Since supporting evidence is limited at this time, the clinical significance of this alteration remains unclear.

NM_199420.4(POLQ):c.2159T>C (p.Phe720Ser)

Gene: POLQ (DNA polymerase theta; minus strand). Cytogenetic location: 3q13.33.
Variant type: single nucleotide variant.
Coding change: c.2159T>C on transcript NM_199420.4 (MANE Select); coding-DNA position 2159, T replaced by C.
Protein change: p.Phe720Ser; replaces phenylalanine 720 with serine.
Molecular consequence: missense variant.
Genome position (GRCh38, 1-based): chr3:121,496,927, A>G on the plus strand (T>C on the coding strand, the complement: POLQ is on the minus strand). VCF-style: chr3-121496927-A-G. GRCh37 (hg19) VCF-style: chr3-121215774-A-G.
Other names: short protein forms F720S.
Identifiers: ClinVar variation 2624476 (VCV002624476.2), dbSNP rs1187768228, ClinGen allele CA354109428.